The following is an entry in ClinVar:

ClinVar aggregate classification (germline): Pathogenic. Review status: criteria provided, multiple submitters, no conflicts (2 of 4 stars). 2 submissions from 2 submitters: Pathogenic (2). Last evaluated 2026-06-23.

Conditions:
Hereditary cancer-predisposing syndrome. Also called: Tumor predisposition; Hereditary Cancer Syndrome; Hereditary neoplastic syndrome; Neoplastic Syndromes, Hereditary. Identifiers: Orphanet 140162, MedGen C0027672, MeSH D009386, MONDO:0015356.

Submissions (2):

Ambry Genetics
Classification: Pathogenic for Hereditary cancer-predisposing syndrome. Last evaluated: 2026-06-23. Review status: criteria provided, single submitter. Criteria: Ambry Variant Classification Scheme 2023. Collection method: clinical testing. Allele origin: germline.
Comment: The p.Q171* pathogenic mutation (also known as c.511C>T), located in coding exon 4 of the CTNNA1 gene, results from a C to T substitution at nucleotide position 511. This changes the amino acid from a glutamine to a stop codon within coding exon 4. This variant is considered to be rare based on population cohorts in the Genome Aggregation Database (gnomAD). This alteration is expected to result in loss of function by premature protein truncation or nonsense-mediated mRNA decay. As such, this alteration is interpreted as a disease-causing mutation.

Labcorp Genetics (formerly Invitae), Labcorp
Classification: Pathogenic. Last evaluated: 2024-09-29. Review status: criteria provided, single submitter. Criteria: Invitae Variant Classification Sherloc (09022015). Collection method: clinical testing. Allele origin: germline.
Comment: This sequence change creates a premature translational stop signal (p.Gln171*) in the CTNNA1 gene. It is expected to result in an absent or disrupted protein product. Loss-of-function variants in CTNNA1 are known to be pathogenic (PMID: 32051609, 34425242). This variant is not present in population databases (gnomAD no frequency). This variant has not been reported in the literature in individuals affected with CTNNA1-related conditions. ClinVar contains an entry for this variant (Variation ID: 1021478). For these reasons, this variant has been classified as Pathogenic.

Literature cited by the submitters: PubMed 32051609 (cited by Labcorp Genetics (formerly Invitae), Labcorp); PubMed 34425242 (cited by Labcorp Genetics (formerly Invitae), Labcorp).

NM_001903.5(CTNNA1):c.511C>T (p.Gln171Ter)

Gene: CTNNA1 (catenin alpha 1; plus strand). Cytogenetic location: 5q31.2.
Variant type: single nucleotide variant.
Coding change: c.511C>T on transcript NM_001903.5 (MANE Select); coding-DNA position 511, C replaced by T.
Protein change: p.Gln171Ter; replaces glutamine 171 with a stop codon.
Molecular consequence: nonsense.
Genome position (GRCh38, 1-based): chr5:138,812,225, C>T. VCF-style: chr5-138812225-C-T. GRCh37 (hg19) VCF-style: chr5-138147914-C-T.
Other names: c.511C>T, p.Gln171Ter (NM_001323984.2, NM_001323985.2, NM_001323986.2 and 3 more transcripts); c.511C>T (NM_001903.2); c.202C>T, p.Gln68Ter (NM_001290309.3); c.142C>T, p.Gln48Ter (NM_001290310.3); short protein forms Q171*, Q48*, Q68*.
Identifiers: ClinVar variation 1021478 (VCV001021478.8), dbSNP rs774590663, ClinGen allele CA361125167.
Genomic context (GRCh38, chr5:138,812,225, plus strand): 5'-GTCTTTCTTATTTTATAGGTGGAAGATGGTATCTTGAAGTTGAGGAATGCTGGCAATGAA[C>T]AAGACTTAGGAATCCAGTATAAAGCCCTAAAACCTGAAGTGGATAAGCTGAACATTATGG-3'